The following is an entry in ClinVar:

NM_006206.6(PDGFRA):c.527_528del (p.Gln176fs)

Gene: PDGFRA (platelet derived growth factor receptor alpha; plus strand). Cytogenetic location: 4q12.
Variant type: Deletion.
Coding change: c.527_528del on transcript NM_006206.6 (MANE Select); coding-DNA positions 527 to 528, 2 bases deleted (AG; older notation c.527_528delAG).
Protein change: p.Gln176fs; shifts the reading frame from glutamine 176.
Molecular consequence: frameshift variant.
Genome position (GRCh38, 1-based): chr4:54,263,826-54,263,827, AG deleted. VCF-style (leftmost placement, unchanged base first): chr4-54263825-CAG-C. GRCh37 (hg19) VCF-style: chr4-55129992-CAG-C.
Other names: c.527_528delAG (NM_006206.4); c.527_528del, p.Gln176fs (NM_001347827.2, NM_001347829.2); c.602_603del, p.Gln201fs (NM_001347828.2); c.566_567del, p.Gln189fs (NM_001347830.2); short protein forms Q201fs, Q176fs, Q189fs.
Identifiers: ClinVar variation 1463175 (VCV001463175.7), dbSNP rs2110252645, ClinGen allele CA2573137772.
Genomic context (GRCh38, chr4:54,263,825, plus strand): 5'-GAGACTCCTGTAACCTTACACAACAGTGAGGGGGTGGTACCTGCCTCCTACGACAGCAGA[CAG>C]GGCTTTAATGGGACCTTCACTGTAGGGCCCTATATCTGTGAGGCCACCGTCAAAGGAAAG-3'

ClinVar aggregate classification (germline): Uncertain significance. Review status: criteria provided, multiple submitters, no conflicts (2 of 4 stars). 2 submissions from 2 submitters: Uncertain significance (2). Last evaluated 2026-02-23.

Conditions:
Hereditary cancer-predisposing syndrome. Also called: Hereditary neoplastic syndrome; Tumor predisposition; Hereditary Cancer Syndrome; Neoplastic Syndromes, Hereditary. Identifiers: Orphanet 140162, MedGen C0027672, MeSH D009386, MONDO:0015356.
Gastrointestinal stromal tumor. Also called: Gastrointestinal stroma tumor; Gastrointestinal stromal tumor, somatic. Identifiers: Orphanet 44890, MedGen C0238198, MeSH D046152, MONDO:0011719, OMIM 606764, HP:0100723.

Submissions (2):

Ambry Genetics
Classification: Uncertain significance for Hereditary cancer-predisposing syndrome. Last evaluated: 2026-02-23. Review status: criteria provided, single submitter. Criteria: Ambry Variant Classification Scheme 2023. Collection method: clinical testing. Allele origin: germline.
Comment: The c.527_528delAG variant, located in coding exon 3 of the PDGFRA gene, results from a deletion of two nucleotides at nucleotide positions 527 to 528, causing a translational frameshift with a predicted alternate stop codon (p.Q176Rfs*3). This variant is expected to result in protein truncation or nonsense-mediated mRNA decay. However, loss of function has not been established as a mechanism of disease. Based on the available evidence, the clinical significance of this variant remains unclear.

Labcorp Genetics (formerly Invitae), Labcorp
Classification: Uncertain significance for Gastrointestinal stromal tumor. Last evaluated: 2021-02-15. Review status: criteria provided, single submitter. Criteria: Invitae Variant Classification Sherloc (09022015). Collection method: clinical testing. Allele origin: germline.
Comment: This sequence change creates a premature translational stop signal (p.Gln176Argfs*3) in the PDGFRA gene. It is expected to result in an absent or disrupted protein product. However, the current clinical and genetic evidence is not sufficient to establish whether loss-of-function variants in PDGFRA cause disease. This variant is not present in population databases (ExAC no frequency). This variant has not been reported in the literature in individuals with PDGFRA-related conditions. In summary, the available evidence is currently insufficient to determine the role of this variant in disease. Therefore, it has been classified as a Variant of Uncertain Significance.